The following is an entry in ClinVar:

NM_006946.4(SPTBN2):c.5421G>T (p.Leu1807=)

Gene: SPTBN2 (spectrin beta, non-erythrocytic 2; minus strand). Cytogenetic location: 11q13.2.
Variant type: single nucleotide variant.
Coding change: c.5421G>T on transcript NM_006946.4 (MANE Select); coding-DNA position 5421, G replaced by T.
Protein change: p.Leu1807=; no amino-acid change (leucine 1807 retained).
Molecular consequence: synonymous variant.
Genome position (GRCh38, 1-based): chr11:66,691,428, C>A on the plus strand (G>T on the coding strand, the complement: SPTBN2 is on the minus strand). VCF-style: chr11-66691428-C-A. GRCh37 (hg19) VCF-style: chr11-66458899-C-A.
Other names: c.5442G>T, p.Leu1814= (NM_001411025.1); c.5421G>T, p.Leu1807= (NM_001437541.1).
Identifiers: ClinVar variation 5041719 (VCV005041719.1).

ClinVar aggregate classification (germline): Likely benign (1 of 4 stars; one submission).

gnomAD v4.1: 2 of 1,612,306 alleles (0.00012%); highest among the groups gnomAD compares: Admixed American, 0.0033%; no homozygotes.

Submission:

CeGaT Center for Human Genetics Tuebingen
Classification: Likely benign. Last evaluated: 2026-09-01. Review status: criteria provided, single submitter. Criteria: CeGaT Center For Human Genetics Tuebingen Variant Classification Criteria Version 2. Collection method: clinical testing. Allele origin: germline. Affected: yes. Observed: 1 variant allele.
Comment: SPTBN2: BP4, BP7